The following is an entry in ClinVar:

ClinVar aggregate classification (germline): Pathogenic. Review status: criteria provided, multiple submitters, no conflicts (2 of 4 stars). 2 submissions from 2 submitters: Pathogenic (2). Last evaluated 2025-07-03.

Conditions:
Neurofibromatosis, type 1 (NF1). Also called: VON RECKLINGHAUSEN DISEASE; NEUROFIBROMATOSIS, TYPE I, SOMATIC; Peripheral type neurofibromatosis; Neurofibromatosis, type I. Identifiers: Orphanet 636, MedGen C0027831, MONDO:0018975, OMIM 162200. Disease mechanism: loss of function.
Cardiovascular phenotype. Identifiers: MedGen CN230736.
Hereditary cancer-predisposing syndrome. Also called: Neoplastic Syndromes, Hereditary; Tumor predisposition; Hereditary neoplastic syndrome; Hereditary Cancer Syndrome. Identifiers: Orphanet 140162, MedGen C0027672, MeSH D009386, MONDO:0015356.

Submissions (2):

Ambry Genetics
Classification: Pathogenic for Cardiovascular phenotype; Hereditary cancer-predisposing syndrome. Last evaluated: 2025-07-03. Review status: criteria provided, single submitter. Criteria: Ambry Variant Classification Scheme 2023. Collection method: clinical testing. Allele origin: germline.
Comment: The p.Y2455* pathogenic mutation (also known as c.7365T>A), located in coding exon 49 of the NF1 gene, results from a T to A substitution at nucleotide position 7365. This changes the amino acid from a tyrosine to a stop codon within coding exon 49. This variant was reported in individual(s) with features consistent with neurofibromatosis type 1 (Ambry internal data). This variant is considered to be rare based on population cohorts in the Genome Aggregation Database (gnomAD). This alteration is expected to result in loss of function by premature protein truncation or nonsense-mediated mRNA decay. As such, this alteration is interpreted as a disease-causing mutation.

Labcorp Genetics (formerly Invitae), Labcorp
Classification: Pathogenic for Neurofibromatosis, type 1. Last evaluated: 2020-11-11. Review status: criteria provided, single submitter. Criteria: Invitae Variant Classification Sherloc (09022015). Collection method: clinical testing. Allele origin: germline.
Comment: For these reasons, this variant has been classified as Pathogenic. Loss-of-function variants in NF1 are known to be pathogenic (PMID: 10712197, 23913538). This variant has not been reported in the literature in individuals with NF1-related disease. A different nucleotide change that causes the same premature translational stop signal (c.7365T>G) has been reported in an individual affected with neurofibromatosis type 1, in the Leiden Open-source Variation Database (PMID: 21520333). ClinVar contains an entry for this variant (Variation ID: 527542). This variant is not present in population databases (ExAC no frequency). This sequence change creates a premature translational stop signal (p.Tyr2455*) in the NF1 gene. It is expected to result in an absent or disrupted protein product.

Literature cited by the submitters: PubMed 10712197 (cited by Labcorp Genetics (formerly Invitae), Labcorp); PubMed 23913538 (cited by Labcorp Genetics (formerly Invitae), Labcorp); PubMed 21520333 (cited by Labcorp Genetics (formerly Invitae), Labcorp).

NM_001042492.3(NF1):c.7428T>A (p.Tyr2476Ter)

Gene: NF1 (neurofibromin 1; plus strand). Cytogenetic location: 17q11.2.
Variant type: single nucleotide variant.
Coding change: c.7428T>A on transcript NM_001042492.3 (MANE Select); coding-DNA position 7428, T replaced by A.
Protein change: p.Tyr2476Ter; replaces tyrosine 2476 with a stop codon.
Molecular consequence: nonsense.
Genome position (GRCh38, 1-based): chr17:31,350,289, T>A. VCF-style: chr17-31350289-T-A. GRCh37 (hg19) VCF-style: chr17-29677307-T-A.
Other names: c.7365T>A, p.Tyr2455Ter (NM_000267.4); short protein forms Y2455*, Y2476*.
Identifiers: ClinVar variation 527542 (VCV000527542.8), dbSNP rs181397225, ClinGen allele CA399017169.